The following is an entry in ClinVar:

ClinVar aggregate classification (germline): Benign/Likely benign. Review status: criteria provided, multiple submitters, no conflicts (2 of 4 stars). 3 submissions from 3 submitters: Benign (1); Likely benign (2). Last evaluated 2026-09-01.

gnomAD v4.1: 64 of 1,526,216 alleles (0.0042%); highest among the groups gnomAD compares: Middle Eastern, 0.017%; no homozygotes.

Submissions (3):

CeGaT Center for Human Genetics Tuebingen
Classification: Likely benign. Last evaluated: 2026-09-01. Review status: criteria provided, single submitter. Criteria: CeGaT Center For Human Genetics Tuebingen Variant Classification Criteria Version 2. Collection method: clinical testing. Allele origin: germline. Affected: yes. Observed: 1 variant allele.
Comment: ACTN2: BP4, BP7

Molecular Diagnostic Laboratory for Inherited Cardiovascular Disease, Montreal Heart Institute
Classification: Benign. Last evaluated: 2025-04-09. Review status: criteria provided, single submitter. Criteria: ACMG Guidelines, 2015. Collection method: clinical testing. Allele origin: germline. Affected: no.

Blueprint Genetics
Classification: Likely benign. Last evaluated: 2024-10-16. Review status: criteria provided, single submitter. Criteria: ACMG Guidelines, 2015. Collection method: clinical testing. Allele origin: germline.

NM_001103.4(ACTN2):c.784-463A>G

Gene: ACTN2 (actinin alpha 2; plus strand). Cytogenetic location: 1q43.
Variant type: single nucleotide variant.
Coding change: c.784-463A>G on transcript NM_001103.4 (MANE Select); 463 bases into the intron before coding-DNA position 784, A replaced by G.
Molecular consequence: intron variant. On other transcripts: non-coding transcript variant (1).
Genome position (GRCh38, 1-based): chr1:236,736,659, A>G. VCF-style: chr1-236736659-A-G. GRCh37 (hg19) VCF-style: chr1-236899959-A-G.
Other names: c.784-463A>G (NM_001278343.2); c.150A>G (NM_001278344.1).
Identifiers: ClinVar variation 3894804 (VCV003894804.3), dbSNP rs771467443.